The following is an entry in ClinVar:

ClinVar aggregate classification (germline): Uncertain significance (1 of 4 stars; one submission).

Conditions:
H syndrome. Also called: Pigmented hypertrichosis and insulin-dependent diabetes mellitus; HISTIOCYTOSIS AND LYMPHADENOPATHY WITH OR WITHOUT CUTANEOUS, CARDIAC, AND/OR ENDOCRINE FEATURES, JOINT CONTRACTURES, AND/OR DEAFNESS; HYPERPIGMENTATION, CUTANEOUS, WITH HYPERTRICHOSIS, HEPATOSPLENOMEGALY, HEART ANOMALIES, AND HYPOGONADISM WITH OR WITHOUT HEARING LOSS; PIGMENTED HYPERTRICHOSIS WITH INSULIN-DEPENDENT DIABETES MELLITUS; ROSAI-DORFMAN DISEASE, FAMILIAL; SINUS HISTIOCYTOSIS AND MASSIVE LYMPHADENOPATHY. Identifiers: Orphanet 168569, MedGen C1864445, MONDO:0011273, OMIM 602782.

Allele frequency attached by ClinVar (database versions not stated): gnomAD exomes below 0.00001; gnomAD 0.00001; TOPMed 0.00001.
gnomAD v4.1: 4 of 1,613,912 alleles (0.00025%); highest among the groups gnomAD compares: Non-Finnish European, 0.00034%; no homozygotes.

Submission:

Labcorp Genetics (formerly Invitae), Labcorp
Classification: Uncertain significance for H syndrome. Last evaluated: 2021-08-26. Review status: criteria provided, single submitter. Criteria: Invitae Variant Classification Sherloc (09022015). Collection method: clinical testing. Allele origin: germline.
Comment: This sequence change replaces isoleucine with asparagine at codon 301 of the SLC29A3 protein (p.Ile301Asn). The isoleucine residue is highly conserved and there is a large physicochemical difference between isoleucine and asparagine. This variant is not present in population databases (ExAC no frequency). This variant has not been reported in the literature in individuals affected with SLC29A3-related conditions. Algorithms developed to predict the effect of missense changes on protein structure and function are either unavailable or do not agree on the potential impact of this missense change (SIFT: "Deleterious"; PolyPhen-2: "Probably Damaging"; Align-GVGD: "Class C0"). In summary, the available evidence is currently insufficient to determine the role of this variant in disease. Therefore, it has been classified as a Variant of Uncertain Significance.

NM_018344.6(SLC29A3):c.902T>A (p.Ile301Asn)

Gene: SLC29A3 (solute carrier family 29 member 3; plus strand). Cytogenetic location: 10q22.1.
Variant type: single nucleotide variant.
Coding change: c.902T>A on transcript NM_018344.6 (MANE Select); coding-DNA position 902, T replaced by A.
Protein change: p.Ile301Asn; replaces isoleucine 301 with asparagine.
Molecular consequence: missense variant. On other transcripts: 3 prime UTR variant (1), non-coding transcript variant (2).
Genome position (GRCh38, 1-based): chr10:71,362,082, T>A. VCF-style: chr10-71362082-T-A. GRCh37 (hg19) VCF-style: chr10-73121839-T-A.
Other names: c.*131T>A (NM_001174098.2); c.668T>A, p.Ile223Asn (NM_001363518.2); short protein forms I223N, I301N.
Identifiers: ClinVar variation 1379589 (VCV001379589.5), dbSNP rs1307741029, ClinGen allele CA377114578.